The following is an entry in ClinVar:

NM_005475.3(SH2B3):c.535G>A (p.Ala179Thr)

Gene: SH2B3 (SH2B adaptor protein 3; plus strand). Cytogenetic location: 12q24.12.
Variant type: single nucleotide variant.
Coding change: c.535G>A on transcript NM_005475.3 (MANE Select); coding-DNA position 535, G replaced by A.
Protein change: p.Ala179Thr; replaces alanine 179 with threonine.
Molecular consequence: missense variant.
Genome position (GRCh38, 1-based): chr12:111,418,680, G>A. VCF-style: chr12-111418680-G-A. GRCh37 (hg19) VCF-style: chr12-111856484-G-A.
Other names: short protein forms A179T.
Identifiers: ClinVar variation 3953511 (VCV003953511.1).
Genomic context (GRCh38, chr12:111,418,680, plus strand): 5'-ACCGCTGCCGCCCCCGGGACCCCCGGAGAGGCTGCTGAGACCCCCGCCCGGCCTGGCCTG[G>A]CCAAGAAGTTCCTGCCCTGGAGCCTGGCCCGGGAGCCGCCACCCGAGGCGCTGAAGGAGG-3'
Protein context (NP_005466.1, residues 169-189): AAETPARPGL[Ala179Thr]KKFLPWSLAR

ClinVar aggregate classification (germline): Uncertain significance (1 of 4 stars; one submission).

Conditions:
Inborn genetic diseases. Identifiers: MedGen C0950123, MeSH D030342.

gnomAD v4.1: 2 of 1,490,650 alleles (0.00013%); highest among the groups gnomAD compares: Admixed American, 0.0022%; no homozygotes.

Submission:

Ambry Genetics
Classification: Uncertain significance for Inborn genetic diseases. Last evaluated: 2025-05-20. Review status: criteria provided, single submitter. Criteria: Ambry Variant Classification Scheme 2023. Collection method: clinical testing. Allele origin: germline.
Comment: The p.A179T variant (also known as c.535G>A), located in coding exon 1 of the SH2B3 gene, results from a G to A substitution at nucleotide position 535. The alanine at codon 179 is replaced by threonine, an amino acid with similar properties. This amino acid position is conserved. In addition, this alteration is predicted to be tolerated by in silico analysis. Based on the available evidence, the clinical significance of this variant remains unclear.